The following is an entry in ClinVar:

NM_012431.3(SEMA3E):c.1381C>T (p.Leu461=)

Gene: SEMA3E (semaphorin 3E; minus strand). Cytogenetic location: 7q21.11.
Variant type: single nucleotide variant.
Coding change: c.1381C>T on transcript NM_012431.3 (MANE Select); coding-DNA position 1381, C replaced by T.
Protein change: p.Leu461=; no amino-acid change (leucine 461 retained).
Molecular consequence: synonymous variant.
Genome position (GRCh38, 1-based): chr7:83,396,715, G>A on the plus strand (C>T on the coding strand, the complement: SEMA3E is on the minus strand). VCF-style: chr7-83396715-G-A. GRCh37 (hg19) VCF-style: chr7-83026031-G-A.
Other names: c.1201C>T, p.Leu401= (NM_001178129.2).
Identifiers: ClinVar variation 3055133 (VCV003055133.4), dbSNP rs980366137, ClinGen allele CA161164977.

ClinVar aggregate classification (germline): Likely benign. Review status: criteria provided, single submitter (1 of 4 stars). 2 submissions from 2 submitters: Likely benign (1). 1 of the submissions does not count toward it. Last evaluated 2024-06-28.

Conditions:
SEMA3E-related disorder. Also called: SEMA3E-related condition.
CHARGE syndrome (CHARGE). Also called: Hittner Hirsch Kreh syndrome; CHARGE ASSOCIATION--COLOBOMA, HEART ANOMALY, CHOANAL ATRESIA, RETARDATION, GENITAL AND EAR ANOMALIES; Coloboma, heart anomaly, choanal atresia, retardation, genital and ear anomalies; CHARGE association; Hall-Hittner syndrome. Identifiers: Orphanet 138, MedGen C0265354, MONDO:0008965.

Allele frequency attached by ClinVar (database versions not stated): gnomAD exomes below 0.00001; gnomAD 0.00004; TOPMed 0.00005.
gnomAD v4.1: 12 of 1,595,058 alleles (0.00075%); highest among the groups gnomAD compares: Admixed American, 0.017%; no homozygotes.

Submissions (2):

Labcorp Genetics (formerly Invitae), Labcorp
Classification: Likely benign for CHARGE syndrome. Last evaluated: 2024-06-28. Review status: criteria provided, single submitter. Criteria: Invitae Variant Classification Sherloc (09022015). Collection method: clinical testing. Allele origin: germline.

PreventionGenetics, part of Exact Sciences
Classification: Likely benign for SEMA3E-related condition. Last evaluated: 2022-12-14. Review status: no assertion criteria provided. Collection method: clinical testing. Allele origin: germline. Not counted in ClinVar's aggregate classification.
Comment: This variant is classified as likely benign based on ACMG/AMP sequence variant interpretation guidelines (Richards et al. 2015 PMID: 25741868, with internal and published modifications).